The following is an entry in ClinVar:

NM_020232.5(PSMG2):c.338G>A (p.Ser113Asn)

Gene: PSMG2 (proteasome assembly chaperone 2; plus strand). Cytogenetic location: 18p11.21.
Variant type: single nucleotide variant.
Coding change: c.338G>A on transcript NM_020232.5 (MANE Select); coding-DNA position 338, G replaced by A.
Protein change: p.Ser113Asn; replaces serine 113 with asparagine.
Molecular consequence: missense variant.
Genome position (GRCh38, 1-based): chr18:12,718,566, G>A. VCF-style: chr18-12718566-G-A. GRCh37 (hg19) VCF-style: chr18-12718565-G-A.
Other names: c.245G>A, p.Ser82Asn (NM_147163.2); short protein forms S82N, S113N.
Identifiers: ClinVar variation 1503818 (VCV001503818.6), dbSNP rs2145148317, ClinGen allele CA401967500.
Genomic context (GRCh38, chr18:12,718,566, plus strand): 5'-GGTGTGCAAAGTATAAATCAAAGCCATTCTGTGAAAAACTGCTTTCCTGGGTGAAAAGCA[G>A]TGGCTGTGCCAGAGTCATTGTTCTTTCAAGCAGTCATTCATATCAGCGTAATGATCTGCA-3'
Protein context (NP_064617.2, residues 103-123): CEKLLSWVKS[Ser113Asn]GCARVIVLSS

ClinVar aggregate classification (germline): Uncertain significance (1 of 4 stars; one submission).

Submission:

Labcorp Genetics (formerly Invitae), Labcorp
Classification: Uncertain significance. Last evaluated: 2021-09-30. Review status: criteria provided, single submitter. Criteria: Invitae Variant Classification Sherloc (09022015). Collection method: clinical testing. Allele origin: germline.
Comment: In summary, the available evidence is currently insufficient to determine the role of this variant in disease. Therefore, it has been classified as a Variant of Uncertain Significance. Algorithms developed to predict the effect of missense changes on protein structure and function (SIFT, PolyPhen-2, Align-GVGD) all suggest that this variant is likely to be tolerated. This variant has not been reported in the literature in individuals affected with PSMG2-related conditions. This variant is not present in population databases (ExAC no frequency). This sequence change replaces serine with asparagine at codon 113 of the PSMG2 protein (p.Ser113Asn). The serine residue is highly conserved and there is a small physicochemical difference between serine and asparagine.